The following is an entry in ClinVar:

ClinVar aggregate classification (germline): Uncertain significance. Review status: criteria provided, multiple submitters, no conflicts (2 of 4 stars). 4 submissions from 3 submitters: Uncertain significance (4). Last evaluated 2025-11-24.

Conditions:
Freeman-Sheldon syndrome (DA2A). Also called: CRANIOCARPOTARSAL DYSPLASIA; CRANIOCARPOTARSAL DYSTROPHY; WHISTLING FACE-WINDMILL VANE HAND SYNDROME; Arthrogryposis, distal, type 2A (Freeman-Sheldon). Identifiers: Orphanet 2053, MedGen C0265224, MONDO:0008675, OMIM 193700.
Distal arthrogryposis type 2B1 (DA2B1). Also called: Arthrogryposis multiplex congenita distal type II with craniofacial abnormalities. Identifiers: Orphanet 1147, MedGen C5193014, MONDO:0020820, OMIM 601680.

Allele frequency attached by ClinVar (database versions not stated): ExAC 0.00001; gnomAD 0.00001; gnomAD exomes 0.00001; TOPMed 0.00001; ESP Exome Variant Server 0.00008.
gnomAD v4.1: 14 of 1,613,908 alleles (0.00087%); highest among the groups gnomAD compares: African/African-American, 0.004%; no homozygotes.

Submissions (4):

Labcorp Genetics (formerly Invitae), Labcorp
Classification: Uncertain significance. Last evaluated: 2025-11-24. Review status: criteria provided, single submitter. Criteria: Invitae Variant Classification Sherloc (09022015). Collection method: clinical testing. Allele origin: germline.
Comment: This sequence change replaces arginine, which is basic and polar, with histidine, which is basic and polar, at codon 1383 of the MYH3 protein (p.Arg1383His). This variant is present in population databases (rs143574829, gnomAD 0.007%). This variant has not been reported in the literature in individuals affected with MYH3-related conditions. ClinVar contains an entry for this variant (Variation ID: 886990). Invitae Evidence Modeling of protein sequence and biophysical properties (such as structural, functional, and spatial information, amino acid conservation, physicochemical variation, residue mobility, and thermodynamic stability) indicates that this missense variant is not expected to disrupt MYH3 protein function with a negative predictive value of 95%. In summary, the available evidence is currently insufficient to determine the role of this variant in disease. Therefore, it has been classified as a Variant of Uncertain Significance.

GeneDx
Classification: Uncertain significance. Last evaluated: 2020-01-15. Review status: criteria provided, single submitter. Criteria: GeneDx Variant Classification Process June 2021. Collection method: clinical testing. Allele origin: germline. Affected: yes.
Comment: In silico analysis, which includes protein predictors and evolutionary conservation, supports a deleterious effect; Has not been previously published as pathogenic or benign to our knowledge

Illumina Laboratory Services, Illumina
Classification: Uncertain significance for Freeman-Sheldon syndrome. Last evaluated: 2018-01-12. Review status: criteria provided, single submitter. Criteria: ICSL Variant Classification Criteria 13 December 2019. Collection method: clinical testing. Allele origin: germline.

Illumina Laboratory Services, Illumina
Classification: Uncertain significance for Distal arthrogryposis type 2B1. Last evaluated: 2018-01-12. Review status: criteria provided, single submitter. Criteria: ICSL Variant Classification Criteria 13 December 2019. Collection method: clinical testing. Allele origin: germline.

NM_002470.4(MYH3):c.4148G>A (p.Arg1383His)

Gene: MYH3 (myosin heavy chain 3; minus strand). Cytogenetic location: 17p13.1.
Variant type: single nucleotide variant.
Coding change: c.4148G>A on transcript NM_002470.4 (MANE Select); coding-DNA position 4148, G replaced by A.
Protein change: p.Arg1383His; replaces arginine 1383 with histidine.
Molecular consequence: missense variant.
Genome position (GRCh38, 1-based): chr17:10,635,391, C>T on the plus strand (G>A on the coding strand, the complement: MYH3 is on the minus strand). VCF-style: chr17-10635391-C-T. GRCh37 (hg19) VCF-style: chr17-10538708-C-T.
Other names: short protein forms R1383H.
Identifiers: ClinVar variation 886990 (VCV000886990.9), dbSNP rs143574829, ClinGen allele CA8392304.